The following is an entry in ClinVar:

ClinVar aggregate classification (germline): Uncertain significance. Review status: criteria provided, multiple submitters, no conflicts (2 of 4 stars). 2 submissions from 2 submitters: Uncertain significance (2). Last evaluated 2025-11-21.

gnomAD v4.1: 15 of 1,601,032 alleles (0.00094%); highest among the groups gnomAD compares: Admixed American, 0.0052%; no homozygotes.

Submissions (2):

Labcorp Genetics (formerly Invitae), Labcorp
Classification: Uncertain significance. Last evaluated: 2025-11-21. Review status: criteria provided, single submitter. Criteria: Invitae Variant Classification Sherloc (09022015). Collection method: clinical testing. Allele origin: germline.
Comment: This sequence change replaces proline, which is neutral and non-polar, with leucine, which is neutral and non-polar, at codon 183 of the GATA5 protein (p.Pro183Leu). The frequency data for this variant in the population databases is considered unreliable, as metrics indicate poor data quality at this position in the gnomAD database. This variant has not been reported in the literature in individuals affected with GATA5-related conditions. ClinVar contains an entry for this variant (Variation ID: 3666664). Invitae Evidence Modeling of protein sequence and biophysical properties (such as structural, functional, and spatial information, amino acid conservation, physicochemical variation, residue mobility, and thermodynamic stability) indicates that this missense variant is not expected to disrupt GATA5 protein function with a negative predictive value of 80%. In summary, the available evidence is currently insufficient to determine the role of this variant in disease. Therefore, it has been classified as a Variant of Uncertain Significance.

Blueprint Genetics
Classification: Uncertain significance. Last evaluated: 2024-07-26. Review status: criteria provided, single submitter. Criteria: ACMG Guidelines, 2015. Collection method: clinical testing. Allele origin: germline.

NM_080473.5(GATA5):c.548C>T (p.Pro183Leu)

Gene: GATA5 (GATA binding protein 5; minus strand). Cytogenetic location: 20q13.33.
Variant type: single nucleotide variant.
Coding change: c.548C>T on transcript NM_080473.5 (MANE Select); coding-DNA position 548, C replaced by T.
Protein change: p.Pro183Leu; replaces proline 183 with leucine.
Molecular consequence: missense variant.
Genome position (GRCh38, 1-based): chr20:62,473,554, G>A on the plus strand (C>T on the coding strand, the complement: GATA5 is on the minus strand). VCF-style: chr20-62473554-G-A. GRCh37 (hg19) VCF-style: chr20-61048610-G-A.
Other names: short protein forms P183L.
Identifiers: ClinVar variation 3666664 (VCV003666664.3).